The following is an entry in ClinVar:

NM_173660.5(DOK7):c.866C>T (p.Ser289Leu)

Gene: DOK7 (docking protein 7; plus strand). Cytogenetic location: 4p16.3.
Variant type: single nucleotide variant.
Coding change: c.866C>T on transcript NM_173660.5 (MANE Select); coding-DNA position 866, C replaced by T.
Protein change: p.Ser289Leu; replaces serine 289 with leucine.
Molecular consequence: missense variant. On other transcripts: 3 prime UTR variant (1), 5 prime UTR variant (1).
Genome position (GRCh38, 1-based): chr4:3,492,852, C>T. VCF-style: chr4-3492852-C-T. GRCh37 (hg19) VCF-style: chr4-3494579-C-T.
Other names: c.*87C>T (NM_001164673.2); c.-65C>T (NM_001256896.2); c.866C>T, p.Ser289Leu (NM_001301071.2); c.434C>T, p.Ser145Leu (NM_001363811.2); short protein forms S145L, S289L.
Identifiers: ClinVar variation 947757 (VCV000947757.10), dbSNP rs748566350, ClinGen allele CA2829258.

ClinVar aggregate classification (germline): Uncertain significance. Review status: criteria provided, multiple submitters, no conflicts (2 of 4 stars). 2 submissions from 2 submitters: Uncertain significance (2). Last evaluated 2026-03-27.

Conditions:
Congenital myasthenic syndrome 10. Also called: Myasthenia, limb-girdle, familial. Identifiers: Orphanet 590, MedGen C1850792, MONDO:0009690, OMIM 254300.
Fetal akinesia deformation sequence 1 (FADS1). Also called: Pena-Shokeir syndrome type I; Fetal akinesia sequence. Identifiers: Orphanet 994, MedGen C1276035, MONDO:0100101, OMIM 208150, HP:0001989.

Allele frequency attached by ClinVar (database versions not stated): gnomAD exomes 0.00002 and 0.00003; ExAC 0.00002; TOPMed 0.00002; gnomAD 0.00004.

Submissions (2):

GeneDx
Classification: Uncertain significance. Last evaluated: 2026-03-27. Review status: criteria provided, single submitter. Criteria: GeneDx Variant Classification Process June 2021. Collection method: clinical testing. Allele origin: germline.
Comment: Identified in a patient with sporadic congenital myasthenic syndrome without a second mutation reported; clinical information was not provided (PMID: 22678886); In silico analysis suggests that this missense variant does not alter protein structure/function; This variant is associated with the following publications: (PMID: 22678886)

Labcorp Genetics (formerly Invitae), Labcorp
Classification: Uncertain significance for Congenital myasthenic syndrome 10; Fetal akinesia deformation sequence 1. Last evaluated: 2024-11-10. Review status: criteria provided, single submitter. Criteria: Invitae Variant Classification Sherloc (09022015). Collection method: clinical testing. Allele origin: germline.
Comment: This sequence change replaces serine, which is neutral and polar, with leucine, which is neutral and non-polar, at codon 289 of the DOK7 protein (p.Ser289Leu). This variant is present in population databases (rs748566350, gnomAD 0.02%). This variant has not been reported in the literature in individuals affected with DOK7-related conditions. ClinVar contains an entry for this variant (Variation ID: 947757). Invitae Evidence Modeling of protein sequence and biophysical properties (such as structural, functional, and spatial information, amino acid conservation, physicochemical variation, residue mobility, and thermodynamic stability) indicates that this missense variant is not expected to disrupt DOK7 protein function with a negative predictive value of 80%. In summary, the available evidence is currently insufficient to determine the role of this variant in disease. Therefore, it has been classified as a Variant of Uncertain Significance.